The following is an entry in ClinVar:

NM_013382.7(POMT2):c.1169A>C (p.His390Pro)

Gene: POMT2 (protein O-mannosyltransferase 2; minus strand). Cytogenetic location: 14q24.3.
Variant type: single nucleotide variant.
Coding change: c.1169A>C on transcript NM_013382.7 (MANE Select); coding-DNA position 1169, A replaced by C.
Protein change: p.His390Pro; replaces histidine 390 with proline.
Molecular consequence: missense variant.
Genome position (GRCh38, 1-based): chr14:77,291,328, T>G on the plus strand (A>C on the coding strand, the complement: POMT2 is on the minus strand). VCF-style: chr14-77291328-T-G. GRCh37 (hg19) VCF-style: chr14-77757671-T-G.
Other names: short protein forms H390P.
Identifiers: ClinVar variation 2177613 (VCV002177613.1), dbSNP rs768009023, ClinGen allele CA7285952.

ClinVar aggregate classification (germline): Uncertain significance (1 of 4 stars; one submission).

Conditions:
Muscular dystrophy-dystroglycanopathy (congenital with impaired intellectual development), type B, 2. Also called: Muscular dystrophy-dystroglycanopathy (congenital with intellectual disability), type B2; MUSCULAR DYSTROPHY, CONGENITAL, POMT2-RELATED. Identifiers: MedGen C3150416, MONDO:0013160, OMIM 613156.
Autosomal recessive limb-girdle muscular dystrophy type 2N. Also called: MUSCULAR DYSTROPHY-DYSTROGLYCANOPATHY, LIMB-GIRDLE, POMT2-RELATED; Muscular dystrophy-dystroglycanopathy (limb-girdle), type C, 2. Identifiers: Orphanet 206559, MedGen C3150418, MONDO:0013162, OMIM 613158.
Muscular dystrophy-dystroglycanopathy (congenital with brain and eye anomalies), type A2. Also called: MUSCULAR DYSTROPHY-DYSTROGLYCANOPATHY (CONGENITAL WITH BRAIN AND EYE ANOMALIES), TYPE A, 2; WALKER-WARBURG SYNDROME OR MUSCLE-EYE-BRAIN DISEASE, POMT2-RELATED. Identifiers: Orphanet 588, Orphanet 899, MedGen C3150411, MONDO:0013154, OMIM 613150.

Allele frequency attached by ClinVar (database versions not stated): ExAC 0.00001; gnomAD exomes 0.00001.

Submission:

Labcorp Genetics (formerly Invitae), Labcorp
Classification: Uncertain significance for Muscular dystrophy-dystroglycanopathy (congenital with impaired intellectual development), type B, 2; Muscular dystrophy-dystroglycanopathy (congenital with brain and eye anomalies), type A2; Autosomal recessive limb-girdle muscular dystrophy type 2N. Last evaluated: 2022-08-15. Review status: criteria provided, single submitter. Criteria: Invitae Variant Classification Sherloc (09022015). Collection method: clinical testing. Allele origin: germline.
Comment: This sequence change replaces histidine, which is basic and polar, with proline, which is neutral and non-polar, at codon 390 of the POMT2 protein (p.His390Pro). This variant is present in population databases (rs768009023, gnomAD 0.006%). This variant has not been reported in the literature in individuals affected with POMT2-related conditions. Algorithms developed to predict the effect of missense changes on protein structure and function (SIFT, PolyPhen-2, Align-GVGD) all suggest that this variant is likely to be tolerated. In summary, the available evidence is currently insufficient to determine the role of this variant in disease. Therefore, it has been classified as a Variant of Uncertain Significance.